The following is an entry in ClinVar:

NM_015272.5(RPGRIP1L):c.86-3C>G

Gene: RPGRIP1L (RPGRIP1 like; minus strand). Cytogenetic location: 16q12.2.
Variant type: single nucleotide variant.
Coding change: c.86-3C>G on transcript NM_015272.5 (MANE Select); 3 bases into the intron before coding-DNA position 86, C replaced by G.
Molecular consequence: intron variant.
Genome position (GRCh38, 1-based): chr16:53,696,298, G>C on the plus strand (C>G on the coding strand, the complement: RPGRIP1L is on the minus strand). VCF-style: chr16-53696298-G-C. GRCh37 (hg19) VCF-style: chr16-53730210-G-C.
Other names: c.86-3C>G (NM_001127897.4, NM_001330538.2, NM_001308334.3 and 2 more transcripts).
Identifiers: ClinVar variation 4863467 (VCV004863467.2).

ClinVar aggregate classification (germline): Likely pathogenic (1 of 4 stars; one submission).

Conditions:
Inborn genetic diseases. Identifiers: MedGen C0950123, MeSH D030342.

gnomAD v4.1: 1 of 1,613,724 alleles (0.000062%); highest among the groups gnomAD compares: African/African-American, 0.0013%; no homozygotes.

Submission:

Ambry Genetics
Classification: Likely pathogenic for Inborn genetic diseases. Last evaluated: 2026-07-16. Review status: criteria provided, single submitter. Criteria: Ambry Variant Classification Scheme 2023. Collection method: clinical testing. Allele origin: germline.
Comment: The c.86-3C>G intronic alteration consists of a C to G substitution 3 nucleotides before exon 3 (coding exon 2) of the RPGRIP1L gene. Based on data from gnomAD, the G allele has an overall frequency of <0.001% (1/251474) total alleles studied. The highest observed frequency was 0.006% (1/16256) of African alleles. Other variant(s) impacting the same acceptor site (c.86-2A>G) have been identified in individual(s) with features consistent with RPGRIP1L-related Joubert syndrome (Suzuki, 2016). This nucleotide position is highly conserved in available vertebrate species. In silico splice site analysis predicts that this alteration will weaken the native splice acceptor site. Based on the available evidence, this alteration is classified as likely pathogenic.

Literature cited by the submitters: PubMed 27434533.